The following is an entry in ClinVar:

ClinVar aggregate classification (germline): Likely benign (1 of 4 stars; one submission).

Submission:

CeGaT Center for Human Genetics Tuebingen
Classification: Likely benign. Last evaluated: 2023-06-01. Review status: criteria provided, single submitter. Criteria: CeGaT Center For Human Genetics Tuebingen Variant Classification Criteria Version 2. Collection method: clinical testing. Allele origin: germline. Affected: yes. Observed: 1 variant allele.
Comment: CRYAA: BP4, BP7

NM_000394.4(CRYAA):c.190-150G>A

Gene: CRYAA (crystallin alpha A; plus strand). Cytogenetic location: 21q22.3.
Variant type: single nucleotide variant.
Coding change: c.190-150G>A on transcript NM_000394.4 (MANE Select); 150 bases into the intron before coding-DNA position 190, G replaced by A.
Molecular consequence: intron variant. On other transcripts: synonymous variant (1).
Genome position (GRCh38, 1-based): chr21:43,170,367, G>A. VCF-style: chr21-43170367-G-A. GRCh37 (hg19) VCF-style: chr21-44590477-G-A.
Other names: c.36G>A, p.Pro12= (NM_001363766.1).
Identifiers: ClinVar variation 2571148 (VCV002571148.27), dbSNP rs544134396, ClinGen allele CA321168841.
Genomic context (GRCh38, chr21:43,170,367, plus strand): 5'-AGGGTTTGGAGACAGGTCGAGGGTCATGCCTGTCTGTCCAGGAGACAGTCACAGGCCCCC[G>A]AAAGCTCTGCCCCACTTGGTGTGTGGGAGAAGAGGCCGGCAGGTGACCGAAGCATCTCTG-3'